The following is an entry in ClinVar:

NM_001429.4(EP300):c.4820A>G (p.Asn1607Ser)

Gene: EP300 (E1A binding protein p300; plus strand). Cytogenetic location: 22q13.2.
Variant type: single nucleotide variant.
Coding change: c.4820A>G on transcript NM_001429.4 (MANE Select); coding-DNA position 4820, A replaced by G.
Protein change: p.Asn1607Ser; replaces asparagine 1607 with serine.
Molecular consequence: missense variant.
Genome position (GRCh38, 1-based): chr22:41,176,287, A>G. VCF-style: chr22-41176287-A-G. GRCh37 (hg19) VCF-style: chr22-41572291-A-G.
Other names: c.4742A>G, p.Asn1581Ser (NM_001362843.2); short protein forms N1581S, N1607S.
Identifiers: ClinVar variation 3354590 (VCV003354590.1).

ClinVar aggregate classification (germline): Uncertain significance (0 of 4 stars; one submission).

Conditions:
EP300-related disorder. Also called: EP300-related disorders; EP300-related condition.

Submission:

PreventionGenetics, part of Exact Sciences
Classification: Uncertain significance for EP300-related condition. Last evaluated: 2024-09-04. Review status: no assertion criteria provided. Collection method: clinical testing. Allele origin: germline.
Comment: The EP300 c.4820A>G variant is predicted to result in the amino acid substitution p.Asn1607Ser. To our knowledge, this variant has not been reported in the literature or in a large population database, indicating this variant is rare. At this time, the clinical significance of this variant is uncertain due to the absence of conclusive functional and genetic evidence.